The following is an entry in ClinVar:

NM_152594.3(SPRED1):c.933T>C (p.Phe311=)

Gene: SPRED1 (sprouty related EVH1 domain containing 1; plus strand). Cytogenetic location: 15q14.
Variant type: single nucleotide variant.
Coding change: c.933T>C on transcript NM_152594.3 (MANE Select); coding-DNA position 933, T replaced by C.
Protein change: p.Phe311=; no amino-acid change (phenylalanine 311 retained).
Molecular consequence: synonymous variant.
Genome position (GRCh38, 1-based): chr15:38,351,262, T>C. VCF-style: chr15-38351262-T-C. GRCh37 (hg19) VCF-style: chr15-38643463-T-C.
Identifiers: ClinVar variation 387693 (VCV000387693.1), dbSNP rs1057522873, ClinGen allele CA16606924.

ClinVar aggregate classification (germline): Likely benign (1 of 4 stars; one submission).

Submission:

GeneDx
Classification: Likely benign. Last evaluated: 2016-07-15. Review status: criteria provided, single submitter. Criteria: GeneDx Variant Classification (06012015). Collection method: clinical testing. Allele origin: germline. Affected: yes.
Comment: This variant is considered likely benign or benign based on one or more of the following criteria: it is a conservative change, it occurs at a poorly conserved position in the protein, it is predicted to be benign by multiple in silico algorithms, and/or has population frequency not consistent with disease.